The following is an entry in ClinVar:

GRCh37/hg19 Xp22.33-22.2(chrX:168547-10217165)x1

Genes: ANOS1 (anosmin 1; minus strand), ARSD (arylsulfatase D; minus strand), ARSD-AS1 (ARSD antisense RNA 1; plus strand), ARSF (arylsulfatase F; plus strand), ARSH (arylsulfatase family member H; plus strand) and 20 more. Cytogenetic location: Xp22.33-22.2.
Variant type: copy number loss.
Change: copy number 1 of chrX:168,547-10,217,165 (10.05 Mb, GRCh37 coordinates, 1-based), cytogenetic band Xp22.33-22.2.
Identifiers: ClinVar variation 4683027 (VCV004683027.1).

ClinVar aggregate classification (germline): Pathogenic (1 of 4 stars; one submission).

Submission:

Quest Diagnostics Nichols Institute San Juan Capistrano
Classification: Pathogenic. Last evaluated: 2025-04-04. Review status: criteria provided, single submitter. Criteria: ACMG/ClinGen CNV Guidelines, 2019. Collection method: clinical testing. Allele origin: unknown.
Comment: The Xp22.33p22.2 deletion involves at least 40 protein-coding genes. This region involves the pseudoautosomal region 1 (PAR1) and the Xp22.31 recurrent region. Deletions within the current Xp22.33p22.2 interval have been identified in individuals with variable phenotypic features (Berges-Raso 2017, Coleman 2023, Firth 2009, Goncalves 2017, Melichar 2007, Stamou 2022, Willemsen 2012), with at least one case of an affected female found to have normal X-inactivation patterns (Coleman 2023). There are no similar copy number losses of this region in the general populations of the Database of Genomic Variants. Thus, based on current medical literature, this copy number variant (CNV) is classified as pathogenic; however, clinical presentation in a female is likely dependent upon X-inactivation status. References: Berges-Raso et al., Endocrinol Diabetes Metab Case Rep. 2017 Sep 28:2017:EDM170083. PMID: 30352392 Coleman et al., Am J Med Genet A. 2023 Dec;191(12):2884-2889. PMID: 37638701 Firth et al., Am J Hum Genet. 2009 Apr;84(4):524-33. PMID: 19344873 Goncalves et al., Hum Reprod. 2017 Mar 1;32(3):704-711. PMID: 28122887 Melichar et al., Am J Med Genet A. 2007 Jan 15;143A(2):135-41. PMID: 17163525 Stamou et al., J Clin Endocrinol Metab. 2022 Jul 14;107(8):2228-2242. PMID: 35574646 Willemsen et al., Eur J Med Genet. 2012 Nov;55(11):586-98. PMID: 22796527